The following is an entry in ClinVar:

NM_018426.3(TMEM63B):c.2110G>A (p.Gly704Arg)

Gene: TMEM63B (transmembrane protein 63B; plus strand). Cytogenetic location: 6p21.1.
Variant type: single nucleotide variant.
Coding change: c.2110G>A on transcript NM_018426.3 (MANE Select); coding-DNA position 2110, G replaced by A.
Protein change: p.Gly704Arg; replaces glycine 704 with arginine.
Molecular consequence: missense variant.
Genome position (GRCh38, 1-based): chr6:44,153,843, G>A. VCF-style: chr6-44153843-G-A. GRCh37 (hg19) VCF-style: chr6-44121580-G-A.
Other names: c.2110G>A, p.Gly704Arg (NM_001318792.1); short protein forms G704R.
Identifiers: ClinVar variation 2579540 (VCV002579540.1), dbSNP rs2533475799, ClinGen allele CA364305575.

ClinVar aggregate classification (germline): Uncertain significance (1 of 4 stars; one submission).

Allele frequency attached by ClinVar (database versions not stated): gnomAD exomes below 0.00001.
gnomAD v4.1: 1 of 1,612,788 alleles (0.000062%); highest among the groups gnomAD compares: Non-Finnish European, 0.000085%; no homozygotes.

Submission:

GeneDx
Classification: Uncertain significance. Last evaluated: 2022-11-07. Review status: criteria provided, single submitter. Criteria: GeneDx Variant Classification Process June 2021. Collection method: clinical testing. Allele origin: germline. Affected: yes.
Comment: Not observed at significant frequency in large population cohorts (gnomAD); In silico analysis supports that this missense variant has a deleterious effect on protein structure/function; Has not been previously published as pathogenic or benign to our knowledge; Variants in candidate genes are classified as variants of uncertain significance in accordance with ACMG guidelines (Richards et al., 2015)